The following is an entry in ClinVar:

NM_015178.3(RHOBTB2):c.1608C>T (p.Ser536=)

Gene: RHOBTB2 (Rho related BTB domain containing 2; plus strand). Cytogenetic location: 8p21.3.
Variant type: single nucleotide variant.
Coding change: c.1608C>T on transcript NM_015178.3 (MANE Select); coding-DNA position 1608, C replaced by T.
Protein change: p.Ser536=; no amino-acid change (serine 536 retained).
Molecular consequence: synonymous variant.
Genome position (GRCh38, 1-based): chr8:23,008,099, C>T. VCF-style: chr8-23008099-C-T. GRCh37 (hg19) VCF-style: chr8-22865612-C-T.
Other names: c.1674C>T, p.Ser558= (NM_001160036.2); c.1629C>T, p.Ser543= (NM_001160037.2); c.1608C>T, p.Ser536= (NM_001374791.1).
Identifiers: ClinVar variation 4873124 (VCV004873124.2).

ClinVar aggregate classification (germline): Likely benign (1 of 4 stars; one submission).

gnomAD v4.1: 1 of 1,610,738 alleles (0.000062%); highest among the groups gnomAD compares: Non-Finnish European, 0.000085%; no homozygotes.

Submission:

CeGaT Center for Human Genetics Tuebingen
Classification: Likely benign. Last evaluated: 2026-05-01. Review status: criteria provided, single submitter. Criteria: CeGaT Center For Human Genetics Tuebingen Variant Classification Criteria Version 2. Collection method: clinical testing. Allele origin: germline. Affected: yes. Observed: 1 variant allele.
Comment: RHOBTB2: BP4, BP7